The following is an entry in ClinVar:

NM_173628.4(DNAH17):c.3717A>G (p.Gln1239=)

Gene: DNAH17 (dynein axonemal heavy chain 17; minus strand). Cytogenetic location: 17q25.3.
Variant type: single nucleotide variant.
Coding change: c.3717A>G on transcript NM_173628.4 (MANE Select); coding-DNA position 3717, A replaced by G.
Protein change: p.Gln1239=; no amino-acid change (glutamine 1239 retained).
Molecular consequence: synonymous variant.
Genome position (GRCh38, 1-based): chr17:78,525,156, T>C on the plus strand (A>G on the coding strand, the complement: DNAH17 is on the minus strand). VCF-style: chr17-78525156-T-C. GRCh37 (hg19) VCF-style: chr17-76521238-T-C.
Identifiers: ClinVar variation 3047180 (VCV003047180.2), dbSNP rs747300718, ClinGen allele CA8804060.

ClinVar aggregate classification (germline): Likely benign (0 of 4 stars; one submission).

Conditions:
DNAH17-related disorder. Also called: DNAH17-related condition.

Allele frequency attached by ClinVar (database versions not stated): ExAC 0.00002; gnomAD exomes 0.00002; TOPMed 0.00001.
gnomAD v4.1: 10 of 1,612,712 alleles (0.00062%); highest among the groups gnomAD compares: Non-Finnish European, 0.00085%; no homozygotes.

Submission:

PreventionGenetics, part of Exact Sciences
Classification: Likely benign for DNAH17-related condition. Last evaluated: 2019-03-08. Review status: no assertion criteria provided. Collection method: clinical testing. Allele origin: germline.
Comment: This variant is classified as likely benign based on ACMG/AMP sequence variant interpretation guidelines (Richards et al. 2015 PMID: 25741868, with internal and published modifications).